The following is an entry in ClinVar:

NM_014795.4(ZEB2):c.2986A>G (p.Ser996Gly)

Gene: ZEB2 (zinc finger E-box binding homeobox 2; minus strand). Cytogenetic location: 2q22.3.
Variant type: single nucleotide variant.
Coding change: c.2986A>G on transcript NM_014795.4 (MANE Select); coding-DNA position 2986, A replaced by G.
Protein change: p.Ser996Gly; replaces serine 996 with glycine.
Molecular consequence: missense variant.
Genome position (GRCh38, 1-based): chr2:144,396,493, T>C on the plus strand (A>G on the coding strand, the complement: ZEB2 is on the minus strand). VCF-style: chr2-144396493-T-C. GRCh37 (hg19) VCF-style: chr2-145154060-T-C.
Other names: c.2914A>G, p.Ser972Gly (NM_001171653.2); short protein forms S972G, S996G.
Identifiers: ClinVar variation 4693243 (VCV004693243.1).

ClinVar aggregate classification (germline): Uncertain significance (1 of 4 stars; one submission).

Conditions:
Mowat-Wilson syndrome (MOWS). Also called: Classic Mowat-Wilson Syndrome. Identifiers: Orphanet 2152, MedGen C1856113, MONDO:0009341, OMIM 235730.

Submission:

Labcorp Genetics (formerly Invitae), Labcorp
Classification: Uncertain significance for Mowat-Wilson syndrome. Last evaluated: 2025-07-15. Review status: criteria provided, single submitter. Criteria: Invitae Variant Classification Sherloc (09022015). Collection method: clinical testing. Allele origin: germline.
Comment: This sequence change replaces serine, which is neutral and polar, with glycine, which is neutral and non-polar, at codon 996 of the ZEB2 protein (p.Ser996Gly). This variant is not present in population databases (gnomAD no frequency). This variant has not been reported in the literature in individuals affected with ZEB2-related conditions. Invitae Evidence Modeling of protein sequence and biophysical properties (such as structural, functional, and spatial information, amino acid conservation, physicochemical variation, residue mobility, and thermodynamic stability) indicates that this missense variant is not expected to disrupt ZEB2 protein function with a negative predictive value of 80%. In summary, the available evidence is currently insufficient to determine the role of this variant in disease. Therefore, it has been classified as a Variant of Uncertain Significance.